The following is an entry in ClinVar:

ClinVar aggregate classification (germline): Uncertain significance (1 of 4 stars; one submission).

Conditions:
Idiopathic Pulmonary Fibrosis. Also called: Idiopathic fibrosing alveolitis, chronic form; idiopathic fibrosing alveolitis. Identifiers: Orphanet 2032, MedGen C1800706, MeSH D054990, MONDO:0800504.
Dyskeratosis congenita, autosomal dominant 2. Identifiers: MedGen C3151443, MONDO:0013521, OMIM 613989.

Submission:

Labcorp Genetics (formerly Invitae), Labcorp
Classification: Uncertain significance for Dyskeratosis congenita, autosomal dominant 2; Idiopathic Pulmonary Fibrosis. Last evaluated: 2022-03-04. Review status: criteria provided, single submitter. Criteria: Invitae Variant Classification Sherloc (09022015). Collection method: clinical testing. Allele origin: germline.
Comment: This variant is not present in population databases (gnomAD no frequency). This sequence change replaces alanine, which is neutral and non-polar, with valine, which is neutral and non-polar, at codon 157 of the TERT protein (p.Ala157Val). In summary, the available evidence is currently insufficient to determine the role of this variant in disease. Therefore, it has been classified as a Variant of Uncertain Significance. Advanced modeling of protein sequence and biophysical properties (such as structural, functional, and spatial information, amino acid conservation, physicochemical variation, residue mobility, and thermodynamic stability) performed at Invitae indicates that this missense variant is expected to disrupt TERT protein function. This variant has not been reported in the literature in individuals affected with TERT-related conditions.

NM_198253.3(TERT):c.470C>T (p.Ala157Val)

Gene: TERT (telomerase reverse transcriptase; minus strand). Cytogenetic location: 5p15.33.
Variant type: single nucleotide variant.
Coding change: c.470C>T on transcript NM_198253.3 (MANE Select); coding-DNA position 470, C replaced by T.
Protein change: p.Ala157Val; replaces alanine 157 with valine.
Molecular consequence: missense variant. On other transcripts: non-coding transcript variant (2).
Genome position (GRCh38, 1-based): chr5:1,294,416, G>A on the plus strand (C>T on the coding strand, the complement: TERT is on the minus strand). VCF-style: chr5-1294416-G-A. GRCh37 (hg19) VCF-style: chr5-1294531-G-A.
Other names: c.470C>T, p.Ala157Val (NM_001193376.3); short protein forms A157V.
Identifiers: ClinVar variation 1510070 (VCV001510070.6), dbSNP rs2126689651, ClinGen allele CA359057964.